The following is an entry in ClinVar:

ClinVar aggregate classification (germline): Uncertain significance (1 of 4 stars; one submission).

Conditions:
Imerslund-Grasbeck syndrome. Also called: Imerslund-Gräsbeck syndrome; ENTEROCYTE COBALAMIN MALABSORPTION; ENTEROCYTE INTRINSIC FACTOR RECEPTOR, DEFECT OF; PERNICIOUS ANEMIA, JUVENILE, DUE TO SELECTIVE INTESTINAL MALABSORPTION OF VITAMIN B12, WITH PROTEINURIA; Megaloblastic anemia due to inborn errors of metabolism. Identifiers: Orphanet 35858, MedGen C4551825, MONDO:0009853.

Submission:

Labcorp Genetics (formerly Invitae), Labcorp
Classification: Uncertain significance for Imerslund-Grasbeck syndrome. Last evaluated: 2021-10-18. Review status: criteria provided, single submitter. Criteria: Invitae Variant Classification Sherloc (09022015). Collection method: clinical testing. Allele origin: germline.
Comment: Experimental studies and prediction algorithms are not available or were not evaluated, and the functional significance of this variant is currently unknown. This variant has not been reported in the literature in individuals affected with CUBN-related conditions. This variant is a gross deletion of the genomic region encompassing exon(s) 67 of the CUBN gene, which includes the termination codon. This deletion extends beyond the assayed region for this gene and therefore may encompass additional genes. While this deletion is not anticipated to lead to nonsense mediated decay, it is expected to alter mRNA translation or result in a truncated protein product. In summary, the available evidence is currently insufficient to determine the role of this variant in disease. Therefore, it has been classified as a Variant of Uncertain Significance.

NC_000010.10:g.(?_16866974)_(16867101_?)del

Gene: CUBN (cubilin; minus strand). Cytogenetic location: 10p13.
Variant type: Deletion.
Identifiers: ClinVar variation 1476683 (VCV001476683.4).